The following is an entry in ClinVar:

ClinVar aggregate classification (germline): Benign (0 of 4 stars; one submission).

Conditions:
PRKCB-related disorder. Also called: PRKCB-related condition.

gnomAD v4.1: 532 of 1,614,166 alleles (0.033%); highest among the groups gnomAD compares: East Asian, 1%; 4 homozygotes.

Submission:

PreventionGenetics, part of Exact Sciences
Classification: Benign for PRKCB-related condition. Last evaluated: 2024-08-11. Review status: no assertion criteria provided. Collection method: clinical testing. Allele origin: germline.
Comment: This variant is classified as benign based on ACMG/AMP sequence variant interpretation guidelines (Richards et al. 2015 PMID: 25741868, with internal and published modifications).

NM_002738.7(PRKCB):c.714A>G (p.Arg238=)

Gene: PRKCB (protein kinase C beta; plus strand). Cytogenetic location: 16p12.2.
Variant type: single nucleotide variant.
Coding change: c.714A>G on transcript NM_002738.7 (MANE Select); coding-DNA position 714, A replaced by G.
Protein change: p.Arg238=; no amino-acid change (arginine 238 retained).
Molecular consequence: synonymous variant.
Genome position (GRCh38, 1-based): chr16:24,094,190, A>G. VCF-style: chr16-24094190-A-G. GRCh37 (hg19) VCF-style: chr16-24105511-A-G.
Other names: c.714A>G, p.Arg238= (NM_212535.3).
Identifiers: ClinVar variation 3354897 (VCV003354897.1).